The following is an entry in ClinVar:

NM_000557.5(GDF5):c.359G>A (p.Arg120Gln)

Gene: GDF5 (growth differentiation factor 5; minus strand). Cytogenetic location: 20q11.22.
Variant type: single nucleotide variant.
Coding change: c.359G>A on transcript NM_000557.5 (MANE Select); coding-DNA position 359, G replaced by A.
Protein change: p.Arg120Gln; replaces arginine 120 with glutamine.
Molecular consequence: missense variant.
Genome position (GRCh38, 1-based): chr20:35,437,570, C>T on the plus strand (G>A on the coding strand, the complement: GDF5 is on the minus strand). VCF-style: chr20-35437570-C-T. GRCh37 (hg19) VCF-style: chr20-34025350-C-T.
Other names: c.359G>A, p.Arg120Gln (NM_001319138.2); short protein forms R120Q.
Identifiers: ClinVar variation 3718339 (VCV003718339.2).

ClinVar aggregate classification (germline): Uncertain significance (1 of 4 stars; one submission).

gnomAD v4.1: 52 of 1,614,124 alleles (0.0032%); highest among the groups gnomAD compares: East Asian, 0.033%; no homozygotes.

Submission:

Labcorp Genetics (formerly Invitae), Labcorp
Classification: Uncertain significance. Last evaluated: 2025-10-17. Review status: criteria provided, single submitter. Criteria: Invitae Variant Classification Sherloc (09022015). Collection method: clinical testing. Allele origin: germline.
Comment: This sequence change replaces arginine, which is basic and polar, with glutamine, which is neutral and polar, at codon 120 of the GDF5 protein (p.Arg120Gln). This variant is present in population databases (rs371554363, gnomAD 0.1%). This variant has not been reported in the literature in individuals affected with GDF5-related conditions. ClinVar contains an entry for this variant (Variation ID: 3718339). An algorithm developed to predict the effect of missense changes on protein structure and function (PolyPhen-2) suggests that this variant is likely to be tolerated. In summary, the available evidence is currently insufficient to determine the role of this variant in disease. Therefore, it has been classified as a Variant of Uncertain Significance.